The following is an entry in ClinVar:

NM_201384.3(PLEC):c.8626G>A (p.Glu2876Lys)

Gene: PLEC (plectin; minus strand). Cytogenetic location: 8q24.3.
Variant type: single nucleotide variant.
Coding change: c.8626G>A on transcript NM_201384.3 (MANE Select); coding-DNA position 8626, G replaced by A.
Protein change: p.Glu2876Lys; replaces glutamic acid 2876 with lysine.
Molecular consequence: missense variant.
Genome position (GRCh38, 1-based): chr8:143,921,195, C>T on the plus strand (G>A on the coding strand, the complement: PLEC is on the minus strand). VCF-style: chr8-143921195-C-T. GRCh37 (hg19) VCF-style: chr8-144995363-C-T.
Other names: c.8707G>A, p.Glu2903Lys (NM_000445.5); c.8584G>A, p.Glu2862Lys (NM_201378.4); c.8560G>A, p.Glu2854Lys (NM_201379.3); c.9037G>A, p.Glu3013Lys (NM_201380.4); c.8530G>A, p.Glu2844Lys (NM_201381.3); c.8626G>A, p.Glu2876Lys (NM_201382.4); c.8638G>A, p.Glu2880Lys (NM_201383.3); c.8707G>A (NM_000445.4); short protein forms E2844K, E2854K, E2862K, E2876K, E2880K, E2903K, E3013K.
Identifiers: ClinVar variation 499971 (VCV000499971.14), dbSNP rs782517831, ClinGen allele CA4925239.
Genomic context (GRCh38, chr8:143,921,195, plus strand): 5'-AGACCAGCTCCCCGCCCTTGGCAGCCTTATCCGTGAGTGGCAGAAGGCACAGGCCCGTCT[C>T]GGGGTCCTCCACGCAGCGCTCCAGTAGCTGCAGGTACGTGAGGTTCTCGTGCGTGTTGGG-3'
Protein context (NP_958786.1, residues 2866-2886): QLLERCVEDP[Glu2876Lys]TGLCLLPLTD

ClinVar aggregate classification (germline): Uncertain significance. Review status: criteria provided, multiple submitters, no conflicts (2 of 4 stars). 5 submissions from 5 submitters: Uncertain significance (5). Last evaluated 2025-11-24.

Conditions:
Autosomal recessive limb-girdle muscular dystrophy type 2Q (LGMDR17). Also called: MUSCULAR DYSTROPHY, LIMB-GIRDLE, AUTOSOMAL RECESSIVE 17. Identifiers: Orphanet 254361, MedGen C3150989, MONDO:0013390, OMIM 613723.
Epidermolysis bullosa simplex 5B, with muscular dystrophy (EBS5B). Also called: EPIDERMOLYSIS BULLOSA SIMPLEX AND LIMB-GIRDLE MUSCULAR DYSTROPHY; Epidermolysis bullosa simplex with muscular dystrophy. Identifiers: Orphanet 257, MedGen C2931072, MONDO:0009181, OMIM 226670.
Epidermolysis bullosa simplex, Ogna type (EBS5A). Also called: Pidermolysis bullosa simplex 5A, Ogna type; EPIDERMOLYSIS BULLOSA SIMPLEX 5A, OGNA TYPE. Identifiers: Orphanet 79401, MedGen C0432317, MONDO:0007555, OMIM 131950.
Epidermolysis bullosa simplex with nail dystrophy (EBS5D). Identifiers: MedGen C4225309, MONDO:0014661, OMIM 616487.
Epidermolysis bullosa simplex 5C, with pyloric atresia (EBS5C). Also called: PLEC-Related Epidermolysis Bullosa with Pyloric Atresia; Epidermolysis bullosa simplex with pyloric atresia; PLEC1-Related Epidermolysis Bullosa with Pyloric Atresia. Identifiers: Orphanet 158684, MedGen C2677349, MONDO:0012807, OMIM 612138.
PLEC-related disorder. Also called: PLEC-related disorders; PLEC-related condition.
Inborn genetic diseases. Identifiers: MedGen C0950123, MeSH D030342.

Allele frequency attached by ClinVar (database versions not stated): ExAC 0.00001; gnomAD 0.00001; gnomAD exomes 0.00001 and 0.00002; TOPMed 0.00003.

Submissions (5):

Labcorp Genetics (formerly Invitae), Labcorp
Classification: Uncertain significance for Autosomal recessive limb-girdle muscular dystrophy type 2Q; Epidermolysis bullosa simplex, Ogna type; Epidermolysis bullosa simplex with nail dystrophy; Epidermolysis bullosa simplex 5C, with pyloric atresia; Epidermolysis bullosa simplex 5B, with muscular dystrophy. Last evaluated: 2025-11-24. Review status: criteria provided, single submitter. Criteria: Invitae Variant Classification Sherloc (09022015). Collection method: clinical testing. Allele origin: germline.
Comment: This sequence change replaces glutamic acid, which is acidic and polar, with lysine, which is basic and polar, at codon 2903 of the PLEC protein (p.Glu2903Lys). This variant is present in population databases (rs782517831, gnomAD 0.01%). This variant has not been reported in the literature in individuals affected with PLEC-related conditions. ClinVar contains an entry for this variant (Variation ID: 499971). Invitae Evidence Modeling of protein sequence and biophysical properties (such as structural, functional, and spatial information, amino acid conservation, physicochemical variation, residue mobility, and thermodynamic stability) indicates that this missense variant is not expected to disrupt PLEC protein function with a negative predictive value of 80%. In summary, the available evidence is currently insufficient to determine the role of this variant in disease. Therefore, it has been classified as a Variant of Uncertain Significance.

PreventionGenetics, part of Exact Sciences
Classification: Uncertain significance for PLEC-related condition. Last evaluated: 2025-02-19. Review status: criteria provided, single submitter. Criteria: ACMG Guidelines, 2015. Collection method: clinical testing. Allele origin: germline.
Comment: The PLEC c.8707G>A variant is predicted to result in the amino acid substitution p.Glu2903Lys. To our knowledge, this variant has not been reported in the literature. This variant is reported in 0.012% of alleles in individuals of Latino descent in gnomAD. At this time, the clinical significance of this variant is uncertain due to the absence of conclusive functional and genetic evidence.

Ambry Genetics
Classification: Uncertain significance for Inborn genetic diseases. Last evaluated: 2023-01-26. Review status: criteria provided, single submitter. Criteria: Ambry Variant Classification Scheme 2023. Collection method: clinical testing. Allele origin: germline.

Athena Diagnostics
Classification: Uncertain significance. Last evaluated: 2022-08-25. Review status: criteria provided, single submitter. Criteria: Athena Diagnostics Criteria. Collection method: clinical testing. Allele origin: unknown.

Eurofins Ntd Llc (ga)
Classification: Uncertain significance. Last evaluated: 2017-01-23. Review status: criteria provided, single submitter. Criteria: EGL Classification Definitions 2015. Collection method: clinical testing. Allele origin: germline. Observed: 1 variant allele, 1 heterozygote.